The following is an entry in ClinVar:

ClinVar aggregate classification (germline): Conflicting classifications of pathogenicity. Review status: criteria provided, conflicting classifications (1 of 4 stars). 4 submissions from 4 submitters: Pathogenic (1); Likely pathogenic (2); Uncertain significance (1). Last evaluated 2025-09-08.

Conditions:
Autosomal dominant SCN1A-related disorders.
Early-infantile DEE. Also called: Early infantile epileptic encephalopathy with suppression bursts; Ohtahara syndrome; Early infantile epileptic encephalopathy. Identifiers: Orphanet 1934, MedGen C0393706, MONDO:0800491.
Inborn genetic diseases. Identifiers: MedGen C0950123, MeSH D030342.

Allele frequency attached by ClinVar (database versions not stated): gnomAD exomes below 0.00001.
gnomAD v4.1: 2 of 1,613,878 alleles (0.00012%); highest among the groups gnomAD compares: South Asian, 0.0011%; no homozygotes.

Submissions (4):

Labcorp Genetics (formerly Invitae), Labcorp
Classification: Pathogenic for Early-infantile DEE. Last evaluated: 2025-09-08. Review status: criteria provided, single submitter. Criteria: Invitae Variant Classification Sherloc (09022015). Collection method: clinical testing. Allele origin: germline.
Comment: This sequence change replaces arginine, which is basic and polar, with glutamine, which is neutral and polar, at codon 1861 of the SCN1A protein (p.Arg1861Gln). This variant is present in population databases (no rsID available, gnomAD 0.0009%). This missense change has been observed in individual(s) with clinical features of SCN1A-related conditions and/or Dravet syndrome (PMID: 38221827; internal data). ClinVar contains an entry for this variant (Variation ID: 421612). Invitae Evidence Modeling of protein sequence and biophysical properties (such as structural, functional, and spatial information, amino acid conservation, physicochemical variation, residue mobility, and thermodynamic stability) indicates that this missense variant is expected to disrupt SCN1A protein function with a positive predictive value of 95%. This variant disrupts the p.Arg1861 amino acid residue in SCN1A. Other variant(s) that disrupt this residue have been determined to be pathogenic (PMID: 31302675). This suggests that this residue is clinically significant, and that variants that disrupt this residue are likely to be disease-causing. For these reasons, this variant has been classified as Pathogenic.

Variantyx, Inc.
Classification: Likely pathogenic for Autosomal dominant SCN1A-related disorders. Last evaluated: 2025-07-20. Review status: criteria provided, single submitter. Criteria: Variantyx Assertion Criteria 2022. Collection method: clinical testing. Allele origin: de novo. Inheritance: Autosomal dominant inheritance. Affected: yes.
Comment: This is a nonsynonymous variant in the SCN1A gene (OMIM: 182389). Pathogenic variants in this gene have been associated with autosomal dominant SCN1A-related disorders. This variant likely occurred de novo in an individual reported in the published literature; however, the possibility of parental germline mosaicism cannot be excluded (PMID: 38221827) (PS2_Moderate). An alternate amino acid change at this position (p.Arg1861Trp) has been previously reported in similarly affected individuals, which suggests that this residue is biologically important (PMID:31302675, 23195492) (PM5), and multiple computational algorithms predict a deleterious effect for this variant (REVEL score: 0.862) (PP3). This variant has a 0.0012% maximum allele frequency in non-founder control populations (PM2). Inheritance from an unaffected or mildly affected parent has been reported, consistent with incomplete penetrance and variable expressivity (PMID: 20301494, 28202706). Based on the current evidence, this variant is classified as likely pathogenic for autosomal dominant SCN1A-related disorders.

GeneDx
Classification: Likely pathogenic. Last evaluated: 2023-10-12. Review status: criteria provided, single submitter. Criteria: GeneDx Variant Classification Process June 2021. Collection method: clinical testing. Allele origin: germline. Affected: yes.
Comment: Not observed at significant frequency in large population cohorts (gnomAD); Missense variants in this gene are a common cause of disease and they are underrepresented in the general population; In silico analysis supports that this missense variant has a deleterious effect on protein structure/function; Has not been previously published as pathogenic or benign to our knowledge; This substitution is predicted to be within the C-terminal cytoplasmic domain.; This variant is associated with the following publications: (PMID: 23195492)

Ambry Genetics
Classification: Uncertain significance for Inborn genetic diseases. Last evaluated: 2018-04-26. Review status: criteria provided, single submitter. Criteria: Ambry Variant Classification Scheme 2023. Collection method: clinical testing. Allele origin: germline.
Comment: The p.R1861Q variant (also known as c.5582G>A), located in coding exon 26 of the SCN1A gene, results from a G to A substitution at nucleotide position 5582. The arginine at codon 1861 is replaced by glutamine, an amino acid with highly similar properties. A different alteration at the same position (p.R1861W) has been reported in two individuals with intractable epilepsy (Wang JW et al. Epilepsy Res., 2012 Dec;102:195-200). This amino acid position is highly conserved in available vertebrate species. In addition, this alteration is predicted to be deleterious by in silico analysis. Since supporting evidence is limited at this time, the clinical significance of this alteration remains unclear.

Literature cited by the submitters: PubMed 38221827 (cited by Labcorp Genetics (formerly Invitae), Labcorp and Variantyx, Inc.); PubMed 31302675 (cited by Labcorp Genetics (formerly Invitae), Labcorp and Variantyx, Inc.); PubMed 23195492 (cited by Variantyx, Inc. and Ambry Genetics); PubMed 20301494 (cited by Variantyx, Inc.); PubMed 28202706 (cited by Variantyx, Inc.).

NM_001165963.4(SCN1A):c.5582G>A (p.Arg1861Gln)

Genes: SCN1A (sodium voltage-gated channel alpha subunit 1; minus strand), LOC102724058 (uncharacterized LOC102724058; plus strand). Cytogenetic location: 2q24.3.
Variant type: single nucleotide variant.
Coding change: c.5582G>A on transcript NM_001165963.4 (MANE Select); coding-DNA position 5582, G replaced by A.
Protein change: p.Arg1861Gln; replaces arginine 1861 with glutamine.
Molecular consequence: missense variant. On other transcripts: non-coding transcript variant (1).
Genome position (GRCh38, 1-based): chr2:165,991,693, C>T on the plus strand (G>A on the coding strand, the complement: SCN1A is on the minus strand). VCF-style: chr2-165991693-C-T. GRCh37 (hg19) VCF-style: chr2-166848203-C-T.
Other names: c.5498G>A, p.Arg1833Gln (NM_001165964.3, NM_001353957.2, NM_001353958.2); c.5582G>A, p.Arg1861Gln (NM_001202435.3, NM_001353948.2); c.5549G>A, p.Arg1850Gln (NM_001353949.2, NM_001353950.2, NM_001353951.2 and 2 more transcripts); c.5546G>A, p.Arg1849Gln (NM_001353954.2, NM_001353955.2); c.5495G>A, p.Arg1832Gln (NM_001353960.2); c.3140G>A, p.Arg1047Gln (NM_001353961.2); short protein forms R1850Q, R1861Q, R1849Q, R1832Q, R1833Q, R1047Q.
Identifiers: ClinVar variation 421612 (VCV000421612.17), dbSNP rs796053042, ClinGen allele CA16617277.
Genomic context (GRCh38, chr2:165,991,693, plus strand): 5'-TCTCCACTCTCTCCTAGAACCCGCTTTGTAAAAGCAAATAAGATATCAAGACAGTGGATC[C>T]GGTCACCACTCACCATGGGCAAATCCATGGCAATGAGCTGGAGTTTGTTTGGTTGTGGCA-3'
Protein context (NP_001159435.1, residues 1851-1871): AMDLPMVSGD[Arg1861Gln]IHCLDILFAF